The following is an entry in ClinVar:

ClinVar aggregate classification (germline): Uncertain significance. Review status: criteria provided, multiple submitters, no conflicts (2 of 4 stars). 3 submissions from 3 submitters: Uncertain significance (3). Last evaluated 2026-01-06.

Conditions:
Inborn genetic diseases. Identifiers: MedGen C0950123, MeSH D030342.
ANKRD26-related disorder. Also called: ANKRD26-related condition.

Allele frequency attached by ClinVar (database versions not stated): gnomAD exomes below 0.00001; gnomAD 0.00001; TOPMed 0.00002.
gnomAD v4.1: 3 of 1,611,380 alleles (0.00019%); highest among the groups gnomAD compares: Admixed American, 0.0017%; no homozygotes.

Submissions (3):

Labcorp Genetics (formerly Invitae), Labcorp
Classification: Uncertain significance. Last evaluated: 2026-01-06. Review status: criteria provided, single submitter. Criteria: Invitae Variant Classification Sherloc (09022015). Collection method: clinical testing. Allele origin: germline.
Comment: This sequence change replaces threonine, which is neutral and polar, with alanine, which is neutral and non-polar, at codon 846 of the ANKRD26 protein (p.Thr846Ala). This variant is not present in population databases (gnomAD no frequency). This variant has not been reported in the literature in individuals affected with ANKRD26-related conditions. ClinVar contains an entry for this variant (Variation ID: 2633626). An algorithm developed to predict the effect of missense changes on protein structure and function outputs the following: PolyPhen-2: "Benign". The alanine amino acid residue is found in multiple mammalian species, which suggests that this missense change does not adversely affect protein function. In summary, the available evidence is currently insufficient to determine the role of this variant in disease. Therefore, it has been classified as a Variant of Uncertain Significance.

Ambry Genetics
Classification: Uncertain significance for Inborn genetic diseases. Last evaluated: 2025-01-27. Review status: criteria provided, single submitter. Criteria: Ambry Variant Classification Scheme 2023. Collection method: clinical testing. Allele origin: germline.

PreventionGenetics, part of Exact Sciences
Classification: Uncertain significance for ANKRD26-related condition. Last evaluated: 2023-03-29. Review status: criteria provided, single submitter. Criteria: ACMG Guidelines, 2015. Collection method: clinical testing. Allele origin: germline.
Comment: The ANKRD26 c.2536A>G variant is predicted to result in the amino acid substitution p.Thr846Ala. To our knowledge, this variant has not been reported in the literature. This variant is reported in 0.0065% of alleles in individuals of African descent in gnomAD. At this time, the clinical significance of this variant is uncertain due to the absence of conclusive functional and genetic evidence.

NM_014915.3(ANKRD26):c.2536A>G (p.Thr846Ala)

Gene: ANKRD26 (ankyrin repeat domain 26; minus strand). Cytogenetic location: 10p12.1.
Variant type: single nucleotide variant.
Coding change: c.2536A>G on transcript NM_014915.3 (MANE Select); coding-DNA position 2536, A replaced by G.
Protein change: p.Thr846Ala; replaces threonine 846 with alanine.
Molecular consequence: missense variant.
Genome position (GRCh38, 1-based): chr10:27,037,894, T>C on the plus strand (A>G on the coding strand, the complement: ANKRD26 is on the minus strand). VCF-style: chr10-27037894-T-C. GRCh37 (hg19) VCF-style: chr10-27326823-T-C.
Other names: c.2533A>G, p.Thr845Ala (NM_001256053.2); short protein forms T845A, T846A.
Identifiers: ClinVar variation 2633626 (VCV002633626.3), dbSNP rs1333964094, ClinGen allele CA376366539.